The following is an entry in ClinVar:

NM_014669.5(NUP93):c.1456C>T (p.Arg486Cys)

Gene: NUP93 (nucleoporin 93; plus strand). Cytogenetic location: 16q13.
Variant type: single nucleotide variant.
Coding change: c.1456C>T on transcript NM_014669.5 (MANE Select); coding-DNA position 1456, C replaced by T.
Protein change: p.Arg486Cys; replaces arginine 486 with cysteine.
Molecular consequence: missense variant.
Genome position (GRCh38, 1-based): chr16:56,833,325, C>T. VCF-style: chr16-56833325-C-T. GRCh37 (hg19) VCF-style: chr16-56867237-C-T.
Other names: c.1087C>T, p.Arg363Cys (NM_001242795.2, NM_001242796.2); short protein forms R363C, R486C.
Identifiers: ClinVar variation 718833 (VCV000718833.10), dbSNP rs138281575, ClinGen allele CA8068431.

ClinVar aggregate classification (germline): Likely benign. Review status: criteria provided, multiple submitters, no conflicts (2 of 4 stars). 3 submissions from 3 submitters: Likely benign (3). Last evaluated 2026-08-01.

Conditions:
NUP93-related disorder. Also called: NUP93-related condition.

Allele frequency attached by ClinVar (database versions not stated): gnomAD 0.00028 and 0.00038; TOPMed 0.00029; ESP Exome Variant Server 0.00054; 1000 Genomes Project 0.00060; gnomAD exomes 0.00072 and 0.00090; 1000 Genomes Project 30x 0.00078; ExAC 0.00111.
gnomAD v4.1: 1,106 of 1,606,452 alleles (0.069%); highest among the groups gnomAD compares: South Asian, 0.4%; 6 homozygotes.

Submissions (3):

CeGaT Center for Human Genetics Tuebingen
Classification: Likely benign. Last evaluated: 2026-08-01. Review status: criteria provided, single submitter. Criteria: CeGaT Center For Human Genetics Tuebingen Variant Classification Criteria Version 2. Collection method: clinical testing. Allele origin: germline. Affected: yes. Observed: 1 variant allele.
Comment: NUP93: BS2

Labcorp Genetics (formerly Invitae), Labcorp
Classification: Likely benign. Last evaluated: 2026-01-23. Review status: criteria provided, single submitter. Criteria: Invitae Variant Classification Sherloc (09022015). Collection method: clinical testing. Allele origin: germline.

PreventionGenetics, part of Exact Sciences
Classification: Likely benign for NUP93-related condition. Last evaluated: 2025-07-08. Review status: criteria provided, single submitter. Criteria: ACMG Guidelines, 2015. Collection method: clinical testing. Allele origin: germline.
Comment: This variant is classified as likely benign based on ACMG/AMP sequence variant interpretation guidelines (Richards et al. 2015 PMID: 25741868, with internal and published modifications).